The following is an entry in ClinVar:

NM_015404.4(WHRN):c.350C>T (p.Pro117Leu)

Gene: WHRN (whirlin; minus strand). Cytogenetic location: 9q32.
Variant type: single nucleotide variant.
Coding change: c.350C>T on transcript NM_015404.4 (MANE Select); coding-DNA position 350, C replaced by T.
Protein change: p.Pro117Leu; replaces proline 117 with leucine.
Molecular consequence: missense variant.
Genome position (GRCh38, 1-based): chr9:114,504,452, G>A on the plus strand (C>T on the coding strand, the complement: WHRN is on the minus strand). VCF-style: chr9-114504452-G-A. GRCh37 (hg19) VCF-style: chr9-117266732-G-A.
Other names: c.350C>T, p.Pro117Leu (NM_001173425.2); short protein forms P117L.
Identifiers: ClinVar variation 1043460 (VCV001043460.6), dbSNP rs772689669, ClinGen allele CA5206309.
Genomic context (GRCh38, chr9:114,504,452, plus strand): 5'-TCCCCTGGCCCCGCGCTGTCGGGGCCGCCCCAGGCGGGCTGCCTGTAGGGGGTGGTGGCG[G>A]GCAGGTAGAGGCCCTCGGCCGTGTATTGGTCGAAGAGCAGCTGGTCGGAGCGCGGGATGA-3'
Protein context (NP_056219.3, residues 107-127): DQYTAEGLYL[Pro117Leu]ATTPYRQPAW

ClinVar aggregate classification (germline): Uncertain significance (1 of 4 stars; one submission).

Allele frequency attached by ClinVar (database versions not stated): TOPMed 0.00002; gnomAD exomes 0.00004; ExAC 0.00005.
gnomAD v4.1: 11 of 1,607,548 alleles (0.00068%); highest among the groups gnomAD compares: East Asian, 0.011%; no homozygotes.

Submission:

Labcorp Genetics (formerly Invitae), Labcorp
Classification: Uncertain significance. Last evaluated: 2022-07-26. Review status: criteria provided, single submitter. Criteria: Invitae Variant Classification Sherloc (09022015). Collection method: clinical testing. Allele origin: germline.
Comment: In summary, the available evidence is currently insufficient to determine the role of this variant in disease. Therefore, it has been classified as a Variant of Uncertain Significance. Algorithms developed to predict the effect of missense changes on protein structure and function are either unavailable or do not agree on the potential impact of this missense change (SIFT: "Tolerated"; PolyPhen-2: "Possibly Damaging"; Align-GVGD: "Class C0"). ClinVar contains an entry for this variant (Variation ID: 1043460). This variant has not been reported in the literature in individuals affected with WHRN-related conditions. This variant is present in population databases (rs772689669, gnomAD 0.04%). This sequence change replaces proline, which is neutral and non-polar, with leucine, which is neutral and non-polar, at codon 117 of the WHRN protein (p.Pro117Leu).